The following is an entry in ClinVar:

NM_004304.5(ALK):c.2324T>A (p.Val775Asp)

Gene: ALK (ALK receptor tyrosine kinase; minus strand). Cytogenetic location: 2p23.2.
Variant type: single nucleotide variant.
Coding change: c.2324T>A on transcript NM_004304.5 (MANE Select); coding-DNA position 2324, T replaced by A.
Protein change: p.Val775Asp; replaces valine 775 with aspartic acid.
Molecular consequence: missense variant.
Genome position (GRCh38, 1-based): chr2:29,239,711, A>T on the plus strand (T>A on the coding strand, the complement: ALK is on the minus strand). VCF-style: chr2-29239711-A-T. GRCh37 (hg19) VCF-style: chr2-29462577-A-T.
Other names: short protein forms V775D.
Identifiers: ClinVar variation 2452121 (VCV002452121.5), dbSNP rs2465269998, ClinGen allele CA346474297.
Genomic context (GRCh38, chr2:29,239,711, plus strand): 5'-GACGAGAAACCCCTGCTCTGGGCACTTACACTGGGGCAGGCGTCCTCTCCCTGCTGCCCA[A>T]CCAGGATGTACAGCATGTCATCCTTCTCCAGGTTGAAGATGCCCAGCACAGACACGCCGT-3'
Protein context (NP_004295.2, residues 765-785): LEKDDMLYIL[Val775Asp]GQQGEDACPS

ClinVar aggregate classification (germline): Uncertain significance. Review status: criteria provided, multiple submitters, no conflicts (2 of 4 stars). 2 submissions from 2 submitters: Uncertain significance (2). Last evaluated 2023-01-27.

Conditions:
Hereditary cancer-predisposing syndrome. Also called: Hereditary neoplastic syndrome; Tumor predisposition; Neoplastic Syndromes, Hereditary; Hereditary Cancer Syndrome. Identifiers: Orphanet 140162, MedGen C0027672, MeSH D009386, MONDO:0015356.
Neuroblastoma, susceptibility to, 3. Also called: ALK-Related Neuroblastic Tumor Susceptibility. Identifiers: Orphanet 635, MedGen C2751681, MONDO:0013083, OMIM 613014.

Allele frequency attached by ClinVar (database versions not stated): gnomAD exomes below 0.00001.
gnomAD v4.1: 1 of 1,614,052 alleles (0.000062%); highest among the groups gnomAD compares: Non-Finnish European, 0.000085%; no homozygotes.

Submissions (2):

Ambry Genetics
Classification: Uncertain significance for Hereditary cancer-predisposing syndrome. Last evaluated: 2023-01-27. Review status: criteria provided, single submitter. Criteria: Ambry Variant Classification Scheme 2023. Collection method: clinical testing. Allele origin: germline.
Comment: The p.V775D variant (also known as c.2324T>A), located in coding exon 13 of the ALK gene, results from a T to A substitution at nucleotide position 2324. The valine at codon 775 is replaced by aspartic acid, an amino acid with highly dissimilar properties. This amino acid position is conserved. In addition, this alteration is predicted to be deleterious by in silico analysis. Since supporting evidence is limited at this time, the clinical significance of this alteration remains unclear.

Labcorp Genetics (formerly Invitae), Labcorp
Classification: Uncertain significance for Neuroblastoma, susceptibility to, 3. Last evaluated: 2022-12-12. Review status: criteria provided, single submitter. Criteria: Invitae Variant Classification Sherloc (09022015). Collection method: clinical testing. Allele origin: germline.
Comment: This variant has not been reported in the literature in individuals affected with ALK-related conditions. This variant is not present in population databases (gnomAD no frequency). This sequence change replaces valine, which is neutral and non-polar, with aspartic acid, which is acidic and polar, at codon 775 of the ALK protein (p.Val775Asp). In summary, the available evidence is currently insufficient to determine the role of this variant in disease. Therefore, it has been classified as a Variant of Uncertain Significance. Algorithms developed to predict the effect of missense changes on protein structure and function (SIFT, PolyPhen-2, Align-GVGD) all suggest that this variant is likely to be disruptive.